The following is an entry in ClinVar:

NM_012330.4(KAT6B):c.3851_3858del (p.Asp1284fs)

Gene: KAT6B (lysine acetyltransferase 6B; plus strand). Cytogenetic location: 10q22.2.
Variant type: Deletion.
Coding change: c.3851_3858del on transcript NM_012330.4 (MANE Select); coding-DNA positions 3851 to 3858, 8 bases deleted (ACGAGCAG; older notation c.3851_3858delACGAGCAG).
Protein change: p.Asp1284fs; shifts the reading frame from aspartic acid 1284.
Molecular consequence: frameshift variant.
Genome position (GRCh38, 1-based): chr10:75,028,675-75,028,682, ACGAGCAG deleted; deleting any 8 consecutive bases within chr10:75,028,674-75,028,682 gives the same sequence; the c. name uses the placement nearest the transcript's 3' end. VCF-style (leftmost placement, unchanged base first): chr10-75028673-TGACGAGCA-T. GRCh37 (hg19) VCF-style: chr10-76788431-TGACGAGCA-T.
Other names: c.3302_3309del, p.Asp1101fs (NM_001256468.2, NM_001370138.1); c.2975_2982del, p.Asp992fs (NM_001256469.2, NM_001370139.1, NM_001370140.1 and 2 more transcripts); c.2813_2820del, p.Asp938fs (NM_001370132.1); c.2162_2169del, p.Asp721fs (NM_001370133.1); c.1766_1773del, p.Asp589fs (NM_001370134.1); c.1508_1515del, p.Asp503fs (NM_001370135.1); c.3851_3858del, p.Asp1284fs (NM_001370136.1, NM_001370137.1); c.2786_2793del, p.Asp929fs (NM_001370143.1, NM_001370144.1); short protein forms D938fs, D1101fs, D503fs, D929fs, D992fs, D589fs, D721fs, D1284fs.
Identifiers: ClinVar variation 523997 (VCV000523997.2), dbSNP rs1554845439, ClinGen allele CA658797448.

ClinVar aggregate classification (germline): Pathogenic (1 of 4 stars; one submission).

Submission:

GeneDx
Classification: Pathogenic. Last evaluated: 2018-03-27. Review status: criteria provided, single submitter. Criteria: GeneDx Variant Classification (06012015). Collection method: clinical testing. Allele origin: germline. Affected: yes.
Comment: The c.3851_3858delACGAGCAG variant in the KAT6B gene has not been reported previously as a pathogenic variant nor as a benign variant, to our knowledge. The c.3851_3858delACGAGCAG variant causes a frameshift starting with codon Aspartic Acid 1284, changes this amino acid to a Glycine residue, and creates a premature Stop codon at position 22 of the new reading frame, denoted p.Asp1284GlyfsX22. This variant is predicted to cause loss of normal protein function through protein truncation, as the last 790 amino acids are lost and replaced with 21 incorrect amino acids. The c.3851_3858delACGAGCAG variant is not observed in large population cohorts (Lek et al., 2016). We interpret c.3851_3858delACGAGCAG as a pathogenic variant.